The following is an entry in ClinVar:

NM_207122.2(EXT2):c.2120A>G (p.Glu707Gly)

Gene: EXT2 (exostosin glycosyltransferase 2; plus strand). Cytogenetic location: 11p11.2.
Variant type: single nucleotide variant.
Coding change: c.2120A>G on transcript NM_207122.2 (MANE Select); coding-DNA position 2120, A replaced by G.
Protein change: p.Glu707Gly; replaces glutamic acid 707 with glycine.
Molecular consequence: missense variant.
Genome position (GRCh38, 1-based): chr11:44,244,250, A>G. VCF-style: chr11-44244250-A-G. GRCh37 (hg19) VCF-style: chr11-44265800-A-G.
Other names: c.2219A>G, p.Glu740Gly (NM_000401.3); c.2150A>G, p.Glu717Gly (NM_001178083.3); c.2120A>G, p.Glu707Gly (NM_001389628.1, NM_001389630.1); short protein forms E707G, E740G, E717G.
Identifiers: ClinVar variation 1517346 (VCV001517346.6), dbSNP rs769426160, ClinGen allele CA380178663.

ClinVar aggregate classification (germline): Uncertain significance (1 of 4 stars; one submission).

Conditions:
Exostoses, multiple, type 2 (EXT2). Also called: Hereditary Multiple Osteochondromatosis, Type II; EXOSTOSES, MULTIPLE, TYPE II. Identifiers: Orphanet 321, MedGen C1851413, MONDO:0007586, OMIM 133701.

Allele frequency attached by ClinVar (database versions not stated): gnomAD exomes below 0.00001; TOPMed below 0.00001.
gnomAD v4.1: 6 of 1,614,096 alleles (0.00037%); highest among the groups gnomAD compares: Non-Finnish European, 0.00051%; no homozygotes.

Submission:

Labcorp Genetics (formerly Invitae), Labcorp
Classification: Uncertain significance for Exostoses, multiple, type 2. Last evaluated: 2025-03-31. Review status: criteria provided, single submitter. Criteria: Invitae Variant Classification Sherloc (09022015). Collection method: clinical testing. Allele origin: germline.
Comment: This sequence change replaces glutamic acid, which is acidic and polar, with glycine, which is neutral and non-polar, at codon 707 of the EXT2 protein (p.Glu707Gly). This variant is present in population databases (no rsID available, gnomAD 0.0009%). This variant has not been reported in the literature in individuals affected with EXT2-related conditions. ClinVar contains an entry for this variant (Variation ID: 1517346). Invitae Evidence Modeling of protein sequence and biophysical properties (such as structural, functional, and spatial information, amino acid conservation, physicochemical variation, residue mobility, and thermodynamic stability) indicates that this missense variant is not expected to disrupt EXT2 protein function with a negative predictive value of 95%. In summary, the available evidence is currently insufficient to determine the role of this variant in disease. Therefore, it has been classified as a Variant of Uncertain Significance.